The following is an entry in ClinVar:

ClinVar aggregate classification (germline): Benign/Likely benign. Review status: criteria provided, multiple submitters, no conflicts (2 of 4 stars). 5 submissions from 5 submitters: Benign (4); Likely benign (1). Last evaluated 2026-02-03.

Conditions:
Primary ciliary dyskinesia 33. Also called: CILIARY DYSKINESIA, PRIMARY, 33, WITHOUT SITUS INVERSUS. Identifiers: Orphanet 244, MedGen C4225230, MONDO:0014750, OMIM 616726.

Allele frequency attached by ClinVar (database versions not stated): 1000 Genomes Project 30x 0.02639; 1000 Genomes Project 0.02716; TOPMed 0.03598; gnomAD 0.04095 and 0.04165; ESP Exome Variant Server 0.04405; ExAC 0.06675.
gnomAD v4.1: 85,821 of 1,601,376 alleles (5.4%); highest among the groups gnomAD compares: Non-Finnish European, 6.2%; 2,686 homozygotes.

Submissions (5):

Labcorp Genetics (formerly Invitae), Labcorp
Classification: Benign for Primary ciliary dyskinesia 33. Last evaluated: 2026-02-03. Review status: criteria provided, single submitter. Criteria: Invitae Variant Classification Sherloc (09022015). Collection method: clinical testing. Allele origin: germline.

Blueprint Genetics
Classification: Likely benign. Last evaluated: 2024-11-27. Review status: criteria provided, single submitter. Criteria: ACMG Guidelines, 2015. Collection method: clinical testing. Allele origin: germline.

GeneDx
Classification: Benign. Last evaluated: 2018-11-11. Review status: criteria provided, single submitter. Criteria: GeneDx Variant Classification Process June 2021. Collection method: clinical testing. Allele origin: germline. Affected: yes.

Laboratory for Molecular Medicine, Mass General Brigham Personalized Medicine
Classification: Benign. Last evaluated: 2016-03-28. Review status: criteria provided, single submitter. Criteria: LMM Criteria. Collection method: clinical testing. Allele origin: germline.
Comment: Variant identified in a genome or exome case(s) and assessed due to predicted null impact of the variant or pathogenic assertions in the literature or databases. Disclaimer: This variant has not undergone full assessment. The following are preliminary notes: Frequency

Breakthrough Genomics
Classification: Benign. Review status: criteria provided, single submitter. Criteria: ACMG Guidelines, 2015. Collection method: not provided. Allele origin: germline. Inheritance: Autosomal recessive inheritance. Affected: yes.

NM_001481.3(DRC4):c.1050C>T (p.Thr350=)

Gene: DRC4 (dynein regulatory complex subunit 4; plus strand). Cytogenetic location: 16q24.3.
Variant type: single nucleotide variant.
Coding change: c.1050C>T on transcript NM_001481.3 (MANE Select); coding-DNA position 1050, C replaced by T.
Protein change: p.Thr350=; no amino-acid change (threonine 350 retained).
Molecular consequence: synonymous variant. On other transcripts: non-coding transcript variant (1).
Genome position (GRCh38, 1-based): chr16:90,040,338, C>T. VCF-style: chr16-90040338-C-T. GRCh37 (hg19) VCF-style: chr16-90106746-C-T.
Other names: c.801C>T, p.Thr267= (NM_001286205.2); c.474C>T, p.Thr158= (NM_001286208.2); c.975C>T, p.Thr325= (NM_001286209.2).
Identifiers: ClinVar variation 402893 (VCV000402893.16), dbSNP rs61734731, ClinGen allele CA8258088.